The following is an entry in ClinVar:

ClinVar aggregate classification (germline): Likely benign. Review status: criteria provided, multiple submitters, no conflicts (2 of 4 stars). 2 submissions from 2 submitters: Likely benign (2). Last evaluated 2018-01-13.

Conditions:
Farber lipogranulomatosis (FRBRL). Also called: Farber's lipogranulomatosis; Farber's disease; Farber disease; AC DEFICIENCY; ACID CERAMIDASE DEFICIENCY; CERAMIDASE DEFICIENCY. Identifiers: Orphanet 333, MedGen C0268255, MONDO:0009218, OMIM 228000.

Allele frequency attached by ClinVar (database versions not stated): gnomAD 0.00034 and 0.00047; TOPMed 0.00058; gnomAD exomes 0.00064; 1000 Genomes Project 30x 0.00203; 1000 Genomes Project 0.00220.
gnomAD v4.1: 147 of 271,692 alleles (0.054%); highest among the groups gnomAD compares: East Asian, 1.2%; 2 homozygotes.

Submissions (2):

Illumina Laboratory Services, Illumina
Classification: Likely benign for Farber lipogranulomatosis. Last evaluated: 2018-01-13. Review status: criteria provided, single submitter. Criteria: ICSL Variant Classification Criteria 13 December 2019. Collection method: clinical testing. Allele origin: germline.
Comment: This variant was observed in the ICSL laboratory as part of a predisposition screen in an ostensibly healthy population. It had not been previously curated by ICSL or reported in the Human Gene Mutation Database (HGMD: prior to June 1st, 2018), and was therefore a candidate for classification through an automated scoring system. Utilizing variant allele frequency, disease prevalence and penetrance estimates, and inheritance mode, an automated score was calculated to assess if this variant is too frequent to cause the disease. Based on the score and internal cut-off values, a variant classified as likely benign is not then subjected to further curation. The score for this variant resulted in a classification of likely benign for this disease.

Breakthrough Genomics
Classification: Likely benign. Review status: criteria provided, single submitter. Criteria: ACMG Guidelines, 2015. Collection method: not provided. Allele origin: germline. Inheritance: Autosomal recessive inheritance. Affected: yes.

NM_177924.5(ASAH1):c.*356C>G

Gene: ASAH1 (N-acylsphingosine amidohydrolase 1; minus strand). Cytogenetic location: 8p22.
Variant type: single nucleotide variant.
Coding change: c.*356C>G on transcript NM_177924.5 (MANE Select); 356 bases downstream of the stop codon, C replaced by G.
Molecular consequence: 3 prime UTR variant.
Genome position (GRCh38, 1-based): chr8:18,057,178, G>C on the plus strand (C>G on the coding strand, the complement: ASAH1 is on the minus strand). VCF-style: chr8-18057178-G-C. GRCh37 (hg19) VCF-style: chr8-17914687-G-C.
Other names: c.*356C>G (NM_001127505.3, NM_001363743.2, NM_004315.6).
Identifiers: ClinVar variation 362363 (VCV000362363.6), dbSNP rs141443856, ClinGen allele CA10630528.